The following is an entry in ClinVar:

ClinVar aggregate classification (germline): Uncertain significance (1 of 4 stars; one submission).

Conditions:
Angelman syndrome (AS). Also called: HAPPY PUPPET SYNDROME. Identifiers: Orphanet 72, MedGen C0162635, MONDO:0007113, OMIM 105830. Disease mechanism: loss of function. Inheritance: imprinting disorder, AS is caused by disruption of maternally imprinted UBE3A located within the 15q11.2-q13 Angelman syndrome/Prader-Willi syndrome (AS/PWS) region..

Submission:

Labcorp Genetics (formerly Invitae), Labcorp
Classification: Uncertain significance for Angelman syndrome. Last evaluated: 2025-02-12. Review status: criteria provided, single submitter. Criteria: Invitae Variant Classification Sherloc (09022015). Collection method: clinical testing. Allele origin: germline.
Comment: This sequence change replaces alanine, which is neutral and non-polar, with valine, which is neutral and non-polar, at codon 186 of the UBE3A protein (p.Ala186Val). This variant is not present in population databases (gnomAD no frequency). This variant has not been reported in the literature in individuals affected with UBE3A-related conditions. Invitae Evidence Modeling of protein sequence and biophysical properties (such as structural, functional, and spatial information, amino acid conservation, physicochemical variation, residue mobility, and thermodynamic stability) has been performed for this missense variant. However, the output from this modeling did not meet the statistical confidence thresholds required to predict the impact of this variant on UBE3A protein function. In summary, the available evidence is currently insufficient to determine the role of this variant in disease. Therefore, it has been classified as a Variant of Uncertain Significance.

NM_130839.5(UBE3A):c.617C>T (p.Ala206Val)

Genes: SNHG14 (small nucleolar RNA host gene 14; plus strand), UBE3A (ubiquitin protein ligase E3A; minus strand). Cytogenetic location: 15q11.2.
Variant type: single nucleotide variant.
Coding change: c.617C>T on transcript NM_130839.5 (MANE Select); coding-DNA position 617, C replaced by T.
Protein change: p.Ala206Val; replaces alanine 206 with valine.
Molecular consequence: missense variant. On other transcripts: non-coding transcript variant (1), intron variant (2).
Genome position (GRCh38, 1-based): chr15:25,371,557, G>A on the plus strand (C>T on the coding strand, the complement: UBE3A is on the minus strand). VCF-style: chr15-25371557-G-A. GRCh37 (hg19) VCF-style: chr15-25616704-G-A.
Other names: c.626C>T, p.Ala209Val (NM_000462.5); c.617C>T, p.Ala206Val (NM_001354505.1, NM_001354538.2, NM_001354545.2); c.557C>T, p.Ala186Val (NM_001354506.2, NM_001354507.2, NM_001354508.2 and 17 more transcripts); c.440C>T, p.Ala147Val (NM_001354546.2); c.301+3908C>T (NM_001354551.2); c.361+3908C>T (NM_001354550.2); short protein forms A147V, A186V, A206V, A209V.
Identifiers: ClinVar variation 4799670 (VCV004799670.1).